The following is an entry in ClinVar:

ClinVar aggregate classification (germline): Pathogenic. Review status: criteria provided, multiple submitters, no conflicts (2 of 4 stars). 2 submissions from 2 submitters: Pathogenic (2). Last evaluated 2025-09-29.

Conditions:
Autosomal dominant polycystic kidney disease. Identifiers: Orphanet 730, MedGen C0085413, MONDO:0004691.

Submissions (2):

Labcorp Genetics (formerly Invitae), Labcorp
Classification: Pathogenic for Autosomal dominant polycystic kidney disease. Last evaluated: 2025-09-29. Review status: criteria provided, single submitter. Criteria: Invitae Variant Classification Sherloc (09022015). Collection method: clinical testing. Allele origin: germline.
Comment: This sequence change creates a premature translational stop signal (p.Glu191Aspfs*41) in the PKD2 gene. It is expected to result in an absent or disrupted protein product. Loss-of-function variants in PKD2 are known to be pathogenic (PMID: 17582161, 22863349). This variant is not present in population databases (gnomAD no frequency). This variant has not been reported in the literature in individuals affected with PKD2-related conditions. ClinVar contains an entry for this variant (Variation ID: 3390609). For these reasons, this variant has been classified as Pathogenic.

GeneDx
Classification: Pathogenic. Last evaluated: 2024-06-10. Review status: criteria provided, single submitter. Criteria: GeneDx Variant Classification Process June 2021. Collection method: clinical testing. Allele origin: germline. Affected: yes.
Comment: Frameshift variant predicted to result in protein truncation or nonsense mediated decay in a gene for which loss of function is a known mechanism of disease; Not observed at significant frequency in large population cohorts (gnomAD); Has not been previously published as pathogenic or benign to our knowledge

Literature cited by the submitters: PubMed 17582161 (cited by Labcorp Genetics (formerly Invitae), Labcorp); PubMed 22863349 (cited by Labcorp Genetics (formerly Invitae), Labcorp).

NM_000297.4(PKD2):c.573_576del (p.Glu191fs)

Genes: PKD2 (polycystin 2, transient receptor potential cation channel; plus strand), LOC129992813 (ATAC-STARR-seq lymphoblastoid silent region 15559; plus strand). Cytogenetic location: 4q22.1.
Variant type: Deletion.
Coding change: c.573_576del on transcript NM_000297.4 (MANE Select); coding-DNA positions 573 to 576, 4 bases deleted (GAGG; older notation c.573_576delGAGG).
Protein change: p.Glu191fs; shifts the reading frame from glutamic acid 191.
Molecular consequence: frameshift variant. On other transcripts: non-coding transcript variant (1).
Genome position (GRCh38, 1-based): chr4:88,008,306-88,008,309, GAGG deleted. VCF-style (leftmost placement, unchanged base first): chr4-88008305-AGAGG-A. GRCh37 (hg19) VCF-style: chr4-88929457-AGAGG-A.
Other names: short protein forms E191fs.
Identifiers: ClinVar variation 3390609 (VCV003390609.2).
Genomic context (GRCh38, chr4:88,008,305, plus strand): 5'-GGGACCCGCTGCATCGCCACCTCCCCCTGGAAGGGCAGCCGCCCCGAGTGGCCTGGGCGG[AGAGG>A]CTGGTTCGCGGGCTGCGAGGTAAGAGCGCGCGACCCGCAGCGGCAGATGCACGAACCAGA-3'